The following is an entry in ClinVar:

ClinVar aggregate classification (germline): Uncertain significance (1 of 4 stars; one submission).

Conditions:
Generalized epilepsy-paroxysmal dyskinesia syndrome (PNKD3). Also called: Generalized epilepsy and paroxysmal dyskinesia; Paroxysmal nonkinesigenic dyskinesia, 3, with or without generalized epilepsy. Identifiers: Orphanet 79137, MedGen C5574945, MONDO:0012276, OMIM 609446.

Submission:

Labcorp Genetics (formerly Invitae), Labcorp
Classification: Uncertain significance for Generalized epilepsy-paroxysmal dyskinesia syndrome. Last evaluated: 2023-09-27. Review status: criteria provided, single submitter. Criteria: Invitae Variant Classification Sherloc (09022015). Collection method: clinical testing. Allele origin: germline.
Comment: In summary, the available evidence is currently insufficient to determine the role of this variant in disease. Therefore, it has been classified as a Variant of Uncertain Significance. Advanced modeling of protein sequence and biophysical properties (such as structural, functional, and spatial information, amino acid conservation, physicochemical variation, residue mobility, and thermodynamic stability) performed at Invitae indicates that this missense variant is expected to disrupt KCNMA1 protein function. This variant has not been reported in the literature in individuals affected with KCNMA1-related conditions. This variant is not present in population databases (gnomAD no frequency). This sequence change replaces tyrosine, which is neutral and polar, with aspartic acid, which is acidic and polar, at codon 1072 of the KCNMA1 protein (p.Tyr1072Asp).

NM_001161352.2(KCNMA1):c.3388T>G (p.Tyr1130Asp)

Genes: KCNMA1-AS1 (KCNMA1 antisense RNA 1; plus strand), KCNMA1 (potassium calcium-activated channel subfamily M alpha 1; minus strand). Cytogenetic location: 10q22.3.
Variant type: single nucleotide variant.
Coding change: c.3388T>G on transcript NM_001161352.2 (MANE Select); coding-DNA position 3388, T replaced by G.
Protein change: p.Tyr1130Asp; replaces tyrosine 1130 with aspartic acid.
Molecular consequence: missense variant.
Genome position (GRCh38, 1-based): chr10:76,889,524, A>C on the plus strand (T>G on the coding strand, the complement: KCNMA1 is on the minus strand). VCF-style: chr10-76889524-A-C. GRCh37 (hg19) VCF-style: chr10-78649282-A-C.
Other names: c.3226T>G, p.Tyr1076Asp (NM_001014797.3); c.3337T>G, p.Tyr1113Asp (NM_001161353.2); c.3064T>G, p.Tyr1022Asp (NM_001271518.2); c.3304T>G, p.Tyr1102Asp (NM_001271519.2); c.3223T>G, p.Tyr1075Asp (NM_001322829.2, NM_001322836.2); c.3316T>G, p.Tyr1106Asp (NM_001322830.2); c.3214T>G, p.Tyr1072Asp (NM_001322832.2, NM_001410940.1, NM_002247.4); c.3307T>G, p.Tyr1103Asp (NM_001322835.2, NM_001322837.2); and 1 more; short protein forms Y921D, Y1103D, Y1130D, Y1022D, Y1075D, Y1102D, Y1106D, Y1113D.
Identifiers: ClinVar variation 2763884 (VCV002763884.3), dbSNP rs2548102064, ClinGen allele CA377403160.